The following is an entry in ClinVar:

ClinVar aggregate classification (germline): Uncertain significance (1 of 4 stars; one submission).

Conditions:
Neurodevelopmental disorder with or without hyperkinetic movements and seizures, autosomal dominant. Also called: Intellectual disability, autosomal dominant 8. Identifiers: MedGen C3280282, MONDO:0013655, OMIM 614254.

Submission:

Labcorp Genetics (formerly Invitae), Labcorp
Classification: Uncertain significance for Neurodevelopmental disorder with or without hyperkinetic movements and seizures, autosomal dominant. Last evaluated: 2025-10-07. Review status: criteria provided, single submitter. Criteria: Invitae Variant Classification Sherloc (09022015). Collection method: clinical testing. Allele origin: germline.
Comment: This sequence change affects codon 35 of the GRIN1 mRNA. It is a 'silent' change, meaning that it does not change the encoded amino acid sequence of the GRIN1 protein. Information on the frequency of this variant in the gnomAD database is not available, as this variant may be reported differently in the database. This variant has not been reported in the literature in individuals affected with GRIN1-related conditions. ClinVar contains an entry for this variant (Variation ID: 3620704). Experimental studies and prediction algorithms are not available or were not evaluated, and the effect of this variant on mRNA splicing is currently unknown. In summary, the available evidence is currently insufficient to determine the role of this variant in disease. Therefore, it has been classified as a Variant of Uncertain Significance.

NM_007327.4(GRIN1):c.105_106delinsAA (p.Thr35_Arg36=)

Gene: GRIN1 (glutamate ionotropic receptor NMDA type subunit 1; plus strand). Cytogenetic location: 9q34.3.
Variant type: Indel.
Coding change: c.105_106delinsAA on transcript NM_007327.4 (MANE Select); coding-DNA positions 105 to 106, GC replaced by AA.
Protein change: p.Thr35_Arg36=.
Molecular consequence: synonymous variant.
Genome position (GRCh38, 1-based): chr9:137,139,591-137,139,592, GC replaced by AA. VCF-style: chr9-137139591-GC-AA. GRCh37 (hg19) VCF-style: chr9-140034043-GC-AA.
Other names: c.105_106delinsAA, p.Thr35_Arg36= (NM_000832.7, NM_001185090.2, NM_001185091.2 and 1 more transcripts).
Identifiers: ClinVar variation 3620704 (VCV003620704.2).